The following is an entry in ClinVar:

NM_002739.5(PRKCG):c.2004del (p.Asp669fs)

Gene: PRKCG (protein kinase C gamma; plus strand). Cytogenetic location: 19q13.42.
Variant type: Deletion.
Coding change: c.2004del on transcript NM_002739.5 (MANE Select); coding-DNA position 2004, one base deleted (C; older notation c.2004delC).
Protein change: p.Asp669fs; shifts the reading frame from aspartic acid 669.
Molecular consequence: frameshift variant.
Genome position (GRCh38, 1-based): chr19:53,906,805, C deleted; the last of 2 consecutive C bases (chr19:53,906,804-53,906,805); deleting either gives the same sequence. VCF-style (leftmost placement, unchanged base first): chr19-53906803-GC-G. GRCh37 (hg19) VCF-style: chr19-54410057-GC-G.
Other names: c.2004del (LRG_669t1); c.2004delC (NM_002739.4); c.2004del, p.Asp669fs (NM_001316329.2); short protein forms D669fs.
Identifiers: ClinVar variation 448128 (VCV000448128.6), dbSNP rs1375924761, ClinGen allele CA658658862.

ClinVar aggregate classification (germline): Uncertain significance. Review status: criteria provided, multiple submitters, no conflicts (2 of 4 stars). 3 submissions from 3 submitters: Uncertain significance (3). Last evaluated 2025-07-09.

Conditions:
PRKCG-related disorder. Also called: PRKCG-related condition.

Submissions (3):

PreventionGenetics, part of Exact Sciences
Classification: Uncertain significance for PRKCG-related condition. Last evaluated: 2025-07-09. Review status: criteria provided, single submitter. Criteria: ACMG Guidelines, 2015. Collection method: clinical testing. Allele origin: germline.
Comment: The PRKCG c.2004delC variant is predicted to result in a frameshift and premature protein termination (p.Asp669Ilefs*8). To our knowledge, this variant has not been reported in the literature or in a large population database (gnomAD), indicating this variant is rare. This variant is located in the terminal exon, and no other early termination changes have been reported as causative downstream. At this time, the clinical significance of this variant is uncertain due to the absence of conclusive functional and genetic evidence.

GeneDx
Classification: Uncertain significance. Last evaluated: 2025-04-13. Review status: criteria provided, single submitter. Criteria: GeneDx Variant Classification Process June 2021. Collection method: clinical testing. Allele origin: germline. Affected: yes.
Comment: Frameshift variant predicted to result in abnormal protein length as the last 29 amino acids are replaced with 7 different amino acids; Not observed at significant frequency in large population cohorts (gnomAD); Has not been previously published as pathogenic or benign to our knowledge

Athena Diagnostics
Classification: Uncertain significance. Last evaluated: 2016-11-23. Review status: criteria provided, single submitter. Criteria: Athena Diagnostics Criteria. Collection method: clinical testing. Allele origin: germline.